The following is an entry in ClinVar:

ClinVar aggregate classification (germline): Uncertain significance (1 of 4 stars; one submission).

Conditions:
Inborn genetic diseases. Identifiers: MedGen C0950123, MeSH D030342.

Submission:

Ambry Genetics
Classification: Uncertain significance for Inborn genetic diseases. Last evaluated: 2025-09-07. Review status: criteria provided, single submitter. Criteria: Ambry Variant Classification Scheme 2023. Collection method: clinical testing. Allele origin: germline.
Comment: The p.Q982H variant (also known as c.2946A>C), located in coding exon 22 of the BUB1B gene, results from an A to C substitution at nucleotide position 2946. The glutamine at codon 982 is replaced by histidine, an amino acid with highly similar properties. This amino acid position is conserved. In addition, this alteration is predicted to be tolerated by in silico analysis. Based on the available evidence, the clinical significance of this variant remains unclear.

NM_001211.6(BUB1B):c.2946A>C (p.Gln982His)

Genes: BUB1B (BUB1 mitotic checkpoint serine/threonine kinase B; plus strand), BUB1B-PAK6 (BUB1B-PAK6 readthrough; plus strand). Cytogenetic location: 15q15.1.
Variant type: single nucleotide variant.
Coding change: c.2946A>C on transcript NM_001211.6 (MANE Select); coding-DNA position 2946, A replaced by C.
Protein change: p.Gln982His; replaces glutamine 982 with histidine.
Molecular consequence: missense variant. On other transcripts: intron variant (2).
Genome position (GRCh38, 1-based): chr15:40,218,551, A>C. VCF-style: chr15-40218551-A-C. GRCh37 (hg19) VCF-style: chr15-40510752-A-C.
Other names: c.-201+884A>C (NM_001128628.3); c.-118+884A>C (NM_001128629.3); short protein forms Q982H.
Identifiers: ClinVar variation 4216978 (VCV004216978.1).
Genomic context (GRCh38, chr15:40,218,551, plus strand): 5'-ACTATTGTTCAAGGAACACCTACAGGTCTTCTGGGATGGGTCCTTCTGGAAACTTAGCCA[A>C]AATATTTCTGAGTAAGTATTGATGAATGTCAGGGTCTCTGCCTGTCCCAATAATTTTCTG-3'
Protein context (NP_001202.5, residues 972-992): FWDGSFWKLS[Gln982His]NISELKDGEL